The following is an entry in ClinVar:

NM_020937.4(FANCM):c.23T>A (p.Leu8His)

Gene: FANCM (FA complementation group M; plus strand). Cytogenetic location: 14q21.2.
Variant type: single nucleotide variant.
Coding change: c.23T>A on transcript NM_020937.4 (MANE Select); coding-DNA position 23, T replaced by A.
Protein change: p.Leu8His; replaces leucine 8 with histidine.
Molecular consequence: missense variant.
Genome position (GRCh38, 1-based): chr14:45,136,054, T>A. VCF-style: chr14-45136054-T-A. GRCh37 (hg19) VCF-style: chr14-45605257-T-A.
Other names: c.23T>A, p.Leu8His (NM_001308133.2, NM_001308134.2); short protein forms L8H.
Identifiers: ClinVar variation 2982154 (VCV002982154.3), dbSNP rs753737880, ClinGen allele CA7168682.

ClinVar aggregate classification (germline): Uncertain significance (1 of 4 stars; one submission).

Conditions:
Fanconi anemia (FA). Also called: Fanconi's anemia. Identifiers: Orphanet 84, MedGen C0015625, MeSH D005199, MONDO:0019391.

Allele frequency attached by ClinVar (database versions not stated): ExAC 0.00001.
gnomAD v4.1: 1 of 1,613,652 alleles (0.000062%); highest among the groups gnomAD compares: Non-Finnish European, 0.000085%; no homozygotes.

Submission:

Labcorp Genetics (formerly Invitae), Labcorp
Classification: Uncertain significance for Fanconi anemia. Last evaluated: 2023-09-18. Review status: criteria provided, single submitter. Criteria: Invitae Variant Classification Sherloc (09022015). Collection method: clinical testing. Allele origin: germline.
Comment: This variant has not been reported in the literature in individuals affected with FANCM-related conditions. An algorithm developed to predict the effect of missense changes on protein structure and function (PolyPhen-2) suggests that this variant is likely to be disruptive. In summary, the available evidence is currently insufficient to determine the role of this variant in disease. Therefore, it has been classified as a Variant of Uncertain Significance. This variant is present in population databases (rs753737880, gnomAD 0.0009%). This sequence change replaces leucine, which is neutral and non-polar, with histidine, which is basic and polar, at codon 8 of the FANCM protein (p.Leu8His).